The following is an entry in ClinVar:

NM_000612.6(IGF2):c.21G>T (p.Lys7Asn)

Genes: IGF2 (insulin like growth factor 2; minus strand), INS-IGF2 (INS-IGF2 readthrough; minus strand). Cytogenetic location: 11p15.5.
Variant type: single nucleotide variant.
Coding change: c.21G>T on transcript NM_000612.6 (MANE Select); coding-DNA position 21, G replaced by T.
Protein change: p.Lys7Asn; replaces lysine 7 with asparagine.
Molecular consequence: missense variant. On other transcripts: non-coding transcript variant (1).
Genome position (GRCh38, 1-based): chr11:2,135,503, C>A on the plus strand (G>T on the coding strand, the complement: IGF2 is on the minus strand). VCF-style: chr11-2135503-C-A. GRCh37 (hg19) VCF-style: chr11-2156733-C-A.
Other names: c.21G>T, p.Lys7Asn (NM_001007139.6, NM_001291861.3, NM_001291862.3); c.189G>T, p.Lys63Asn (NM_001127598.3); short protein forms K63N, K7N.
Identifiers: ClinVar variation 2367504 (VCV002367504.5), dbSNP rs146334276, ClinGen allele CA5817748.

ClinVar aggregate classification (germline): Conflicting classifications of pathogenicity. Review status: criteria provided, conflicting classifications (1 of 4 stars). 2 submissions from 2 submitters: Uncertain significance (1); Likely benign (1). Last evaluated 2025-12-22.

Conditions:
Inborn genetic diseases. Identifiers: MedGen C0950123, MeSH D030342.

Allele frequency attached by ClinVar (database versions not stated): TOPMed 0.00005; ExAC 0.00006; gnomAD exomes 0.00015; gnomAD 0.00005; ESP Exome Variant Server 0.00031.
gnomAD v4.1: 230 of 1,613,494 alleles (0.014%); highest among the groups gnomAD compares: Non-Finnish European, 0.019%; no homozygotes.

Submissions (2):

Labcorp Genetics (formerly Invitae), Labcorp
Classification: Uncertain significance. Last evaluated: 2025-12-22. Review status: criteria provided, single submitter. Criteria: Invitae Variant Classification Sherloc (09022015). Collection method: clinical testing. Allele origin: germline.
Comment: This sequence change replaces lysine, which is basic and polar, with asparagine, which is neutral and polar, at codon 7 of the IGF2 protein (p.Lys7Asn). This variant is present in population databases (rs146334276, gnomAD 0.01%). This variant has not been reported in the literature in individuals affected with IGF2-related conditions. ClinVar contains an entry for this variant (Variation ID: 2367504). An algorithm developed to predict the effect of missense changes on protein structure and function (PolyPhen-2) suggests that this variant is likely to be disruptive. In summary, the available evidence is currently insufficient to determine the role of this variant in disease. Therefore, it has been classified as a Variant of Uncertain Significance.

Ambry Genetics
Classification: Likely benign for Inborn genetic diseases. Last evaluated: 2022-12-05. Review status: criteria provided, single submitter. Criteria: Ambry Variant Classification Scheme 2023. Collection method: clinical testing. Allele origin: germline.